The following is an entry in ClinVar:

NM_003072.5(SMARCA4):c.2438C>T (p.Ser813Leu)

Gene: SMARCA4 (SWI/SNF related BAF chromatin remodeling complex subunit ATPase 4; plus strand). Cytogenetic location: 19p13.2.
Variant type: single nucleotide variant.
Coding change: c.2438C>T on transcript NM_003072.5 (MANE Select); coding-DNA position 2438, C replaced by T.
Protein change: p.Ser813Leu; replaces serine 813 with leucine.
Molecular consequence: missense variant. On other transcripts: non-coding transcript variant (1).
Genome position (GRCh38, 1-based): chr19:11,013,112, C>T. VCF-style: chr19-11013112-C-T. GRCh37 (hg19) VCF-style: chr19-11123788-C-T.
Other names: c.2438C>T, p.Ser813Leu (NM_001128844.3, NM_001128845.2, NM_001128846.2 and 5 more transcripts); short protein forms S813L.
Identifiers: ClinVar variation 421389 (VCV000421389.43), dbSNP rs1064795105, ClinGen allele CA16620728.

ClinVar aggregate classification (germline): Likely pathogenic. Review status: criteria provided, multiple submitters, no conflicts (2 of 4 stars). 2 submissions from 2 submitters: Likely pathogenic (2). Last evaluated 2018-09-01.

Submissions (2):

CeGaT Center for Human Genetics Tuebingen
Classification: Likely pathogenic. Last evaluated: 2018-09-01. Review status: criteria provided, single submitter. Criteria: CeGaT Center For Human Genetics Tuebingen Variant Classification Criteria Version 2. Collection method: clinical testing. Allele origin: germline. Affected: yes. Observed: 3 variant alleles.

GeneDx
Classification: Likely pathogenic. Last evaluated: 2016-06-02. Review status: criteria provided, single submitter. Criteria: GeneDx Variant Classification (06012015). Collection method: clinical testing. Allele origin: germline. Affected: yes.
Comment: The S813L variant in the SMARCA4 gene has not been reported previously as a pathogenic variant, nor as a benign variant, to our knowledge. The S813L variant was not observed in approximately 6500 individuals of European and African American ancestry in the NHLBI Exome Sequencing Project, indicating it is not a common benign variant in these populations. The S813L variant is a non-conservative amino acid substitution, which is likely to impact secondary protein structure as these residues differ in polarity, charge, size and/or other properties. This substitution occurs at a position that is conserved across species. In silico analysis predicts this variant is probably damaging to the protein structure/function. The S813L variant is within the DEXDc and SNF2_N regions of the ATPase domain, a functionally important region of the protein (Witkowski et al., 2014). The S813L variant is a strong candidate for a pathogenic variant